The following is an entry in ClinVar:

ClinVar aggregate classification (germline): Uncertain significance (1 of 4 stars; one submission).

gnomAD v4.1: 4 of 1,614,106 alleles (0.00025%); highest among the groups gnomAD compares: African/African-American, 0.004%; no homozygotes.

Submission:

Ambry Genetics
Classification: Uncertain significance. Last evaluated: 2025-08-09. Review status: criteria provided, single submitter. Criteria: Ambry Variant Classification Scheme 2023. Collection method: clinical testing. Allele origin: germline.
Comment: The p.A137V variant (also known as c.410C>T), located in coding exon 3 of the GEN1 gene, results from a C to T substitution at nucleotide position 410. The alanine at codon 137 is replaced by valine, an amino acid with similar properties. This amino acid position is conserved. In addition, this alteration is predicted to be deleterious by in silico analysis. Based on the available evidence, the clinical significance of this variant remains unclear.

NM_001130009.3(GEN1):c.410C>T (p.Ala137Val)

Gene: GEN1 (GEN1 Holliday junction 5' flap endonuclease; plus strand). Cytogenetic location: 2p24.2.
Variant type: single nucleotide variant.
Coding change: c.410C>T on transcript NM_001130009.3 (MANE Select); coding-DNA position 410, C replaced by T.
Protein change: p.Ala137Val; replaces alanine 137 with valine.
Molecular consequence: missense variant.
Genome position (GRCh38, 1-based): chr2:17,764,958, C>T. VCF-style: chr2-17764958-C-T. GRCh37 (hg19) VCF-style: chr2-17946225-C-T.
Other names: c.410C>T, p.Ala137Val (NM_182625.5); short protein forms A137V.
Identifiers: ClinVar variation 4263072 (VCV004263072.1).